The following is an entry in ClinVar:

NM_172351.3(CD46):c.244C>T (p.Arg82Trp)

Gene: CD46 (CD46 molecule; plus strand). Cytogenetic location: 1q32.2.
Variant type: single nucleotide variant.
Coding change: c.244C>T on transcript NM_172351.3 (MANE Select); coding-DNA position 244, C replaced by T.
Protein change: p.Arg82Trp; replaces arginine 82 with tryptophan.
Molecular consequence: missense variant.
Genome position (GRCh38, 1-based): chr1:207,757,160, C>T. VCF-style: chr1-207757160-C-T. GRCh37 (hg19) VCF-style: chr1-207930505-C-T.
Other names: c.244C>T, p.Arg82Trp (NM_002389.4, NM_153826.4, NM_172350.3 and 8 more transcripts); short protein forms R82W.
Identifiers: ClinVar variation 2202925 (VCV002202925.7), dbSNP rs200133631, ClinGen allele CA1371560.
Genomic context (GRCh38, chr1:207,757,160, plus strand): 5'-TATAAGTGTAAAAAAGGATACTTCTATATACCTCCTCTTGCCACCCATACTATTTGTGAT[C>T]GGAATCATACATGGCTACCTGTCTCAGATGACGCCTGTTATAGTAAGTAAACAAACCTCT-3'
Protein context (NP_758861.1, residues 72-92): PPLATHTICD[Arg82Trp]NHTWLPVSDD

ClinVar aggregate classification (germline): Uncertain significance. Review status: criteria provided, multiple submitters, no conflicts (2 of 4 stars). 4 submissions from 4 submitters: Uncertain significance (4). Last evaluated 2025-12-09.

Conditions:
CD46-related disorder. Also called: CD46-related condition.
Atypical hemolytic-uremic syndrome. Identifiers: Orphanet 2134, MedGen C2931788, MONDO:0016244.
Atypical hemolytic-uremic syndrome with MCP/CD46 anomaly. Also called: HEMOLYTIC UREMIC SYNDROME, ATYPICAL, SUSCEPTIBILITY TO, 2; AHUS, SUSCEPTIBILITY TO, 2. Identifiers: Orphanet 2134, MedGen C2752040, MONDO:0013040, OMIM 612922.

Allele frequency attached by ClinVar (database versions not stated): gnomAD exomes 0.00003; ExAC 0.00001; gnomAD 0.00001.
gnomAD v4.1: 46 of 1,613,774 alleles (0.0029%); highest among the groups gnomAD compares: East Asian, 0.016%; no homozygotes.

Submissions (4):

MVZ Medizinische Genetik Mainz
Classification: Uncertain significance for Atypical hemolytic-uremic syndrome with MCP/CD46 anomaly. Last evaluated: 2025-12-09. Review status: criteria provided, single submitter. Criteria: UK Practice Guidelines For Variant Classification V4 01 2020. Collection method: clinical testing. Allele origin: germline. Inheritance: Autosomal dominant inheritance. Affected: yes. Observed: 1 variant allele.
Comment: ACMG Criteria: PM1_SUP,PM2_SUP,BP4

Genomenon, Inc
Classification: Uncertain significance for Atypical hemolytic-uremic syndrome. Last evaluated: 2025-10-02. Review status: criteria provided, single submitter. Criteria: Genomenon Sequence Variant Interpretation Standards. Collection method: curation. Allele origin: germline. Affected: no.
Comment: CD46 p.Arg82Trp (c.244C>T) is a missense variant that changes the amino acid at residue 82 from Arginine to Tryptophan. This variant has been reported in the published literature (PMID:29148534). It is absent or not present at a significant frequency in gnomAD. In silico models agree that this variant is not damaging. In conclusion, we classify CD46 p.Arg82Trp (c.244C>T) as a variant of uncertain significance.

Labcorp Genetics (formerly Invitae), Labcorp
Classification: Uncertain significance. Last evaluated: 2025-08-14. Review status: criteria provided, single submitter. Criteria: Invitae Variant Classification Sherloc (09022015). Collection method: clinical testing. Allele origin: germline.
Comment: This sequence change replaces arginine, which is basic and polar, with tryptophan, which is neutral and slightly polar, at codon 82 of the CD46 protein (p.Arg82Trp). This variant is present in population databases (rs200133631, gnomAD 0.02%). This missense change has been observed in individual(s) with clinical features of hemolytic uremic syndrome (PMID: 29148534). ClinVar contains an entry for this variant (Variation ID: 2202925). Invitae Evidence Modeling of protein sequence and biophysical properties (such as structural, functional, and spatial information, amino acid conservation, physicochemical variation, residue mobility, and thermodynamic stability) indicates that this missense variant is not expected to disrupt CD46 protein function with a negative predictive value of 80%. In summary, the available evidence is currently insufficient to determine the role of this variant in disease. Therefore, it has been classified as a Variant of Uncertain Significance.

PreventionGenetics, part of Exact Sciences
Classification: Uncertain significance for CD46-related condition. Last evaluated: 2022-11-16. Review status: criteria provided, single submitter. Criteria: ACMG Guidelines, 2015. Collection method: clinical testing. Allele origin: germline.
Comment: The CD46 c.244C>T variant is predicted to result in the amino acid substitution p.Arg82Trp. This variant was reported in one individual in a study of patients with severe hypertension and renal microangiopathy (Patient 21, Larsen et al. 2017. PubMed ID: 29148534). This variant is reported in 0.016% of alleles in individuals of East Asian descent in gnomAD. At this time, the clinical significance of this variant is uncertain due to the absence of conclusive functional and genetic evidence.

Literature cited by the submitters: PubMed 29148534 (cited by Genomenon, Inc and Labcorp Genetics (formerly Invitae), Labcorp).